The following is an entry in ClinVar:

NM_000163.5(GHR):c.1455C>A (p.Asp485Glu)

Gene: GHR (growth hormone receptor; plus strand). Cytogenetic location: 5p12.
Variant type: single nucleotide variant.
Coding change: c.1455C>A on transcript NM_000163.5 (MANE Select); coding-DNA position 1455, C replaced by A.
Protein change: p.Asp485Glu; replaces aspartic acid 485 with glutamic acid.
Molecular consequence: missense variant. On other transcripts: 3 prime UTR variant (1).
Genome position (GRCh38, 1-based): chr5:42,718,962, C>A. VCF-style: chr5-42718962-C-A. GRCh37 (hg19) VCF-style: chr5-42719064-C-A.
Other names: c.1476C>A, p.Asp492Glu (NM_001242399.2); c.1455C>A, p.Asp485Glu (NM_001242400.2, NM_001242401.4, NM_001242402.2 and 4 more transcripts); c.1389C>A, p.Asp463Glu (NM_001242460.2); c.*497C>A (NM_001242462.1); short protein forms D463E, D492E, D485E.
Identifiers: ClinVar variation 4526074 (VCV004526074.1).

ClinVar aggregate classification (germline): Uncertain significance (1 of 4 stars; one submission).

Submission:

Women's Health and Genetics/Laboratory Corporation of America, LabCorp
Classification: Uncertain significance. Last evaluated: 2025-07-08. Review status: criteria provided, single submitter. Criteria: LabCorp Variant Classification Summary - May 2015. Collection method: clinical testing. Allele origin: germline.
Comment: Variant summary: GHR c.1455C>A (p.Asp485Glu) results in a conservative amino acid change in the encoded protein sequence. Algorithms developed to predict the effect of missense changes on protein structure and function are either unavailable or do not agree on the potential impact of this missense change. The variant was absent in 250982 control chromosomes (gnomAD). The available data on variant occurrences in the general population are insufficient to allow any conclusion about variant significance. To our knowledge, no occurrence of c.1455C>A in individuals affected with Growth Hormone Insensitivity and no experimental evidence demonstrating its impact on protein function have been reported. No submitters have cited clinical-significance assessments for this variant to ClinVar. Based on the evidence outlined above, the variant was classified as uncertain significance.